The following is an entry in ClinVar:

NM_024426.6(WT1):c.367T>G (p.Ser123Ala)

Genes: WT1 (WT1 transcription factor; minus strand), LOC107982234 (WT1/WT1-AS bi-directional promoter region; plus strand). Cytogenetic location: 11p13.
Variant type: single nucleotide variant.
Coding change: c.367T>G on transcript NM_024426.6 (MANE Select); coding-DNA position 367, T replaced by G.
Protein change: p.Ser123Ala; replaces serine 123 with alanine.
Molecular consequence: missense variant. On other transcripts: non-coding transcript variant (1).
Genome position (GRCh38, 1-based): chr11:32,434,994, A>C on the plus strand (T>G on the coding strand, the complement: WT1 is on the minus strand). VCF-style: chr11-32434994-A-C. GRCh37 (hg19) VCF-style: chr11-32456540-A-C.
Other names: c.367T>G, p.Ser123Ala (NM_000378.6, NM_001407044.1, NM_001407045.1 and 6 more transcripts); c.352T>G, p.Ser118Ala (NM_024425.2); short protein forms S118A, S123A.
Identifiers: ClinVar variation 2406757 (VCV002406757.2), dbSNP rs2133104261, ClinGen allele CA379965838.
Genomic context (GRCh38, chr11:32,434,994, plus strand): 5'-AGTGAGGCGGCGGCGGCGGGGGTGGCGGCGGAGCCGGTGGCGGCGCGGGGCCGCCCAACG[A>C]CCCGTAAGCCGAAGCGCCCGGGGGCGCAAAGTCCAGCACCGGCGCCCACTGCGCCGCGCC-3'
Protein context (NP_077744.4, residues 113-133): FAPPGASAYG[Ser123Ala]LGGPAPPPAP

ClinVar aggregate classification (germline): Uncertain significance. Review status: criteria provided, multiple submitters, no conflicts (2 of 4 stars). 2 submissions from 2 submitters: Uncertain significance (2). Last evaluated 2023-12-01.

Conditions:
Wilms tumor 1 (WT1). Also called: Wilms tumor, somatic. Identifiers: Orphanet 654, MedGen CN033288, MONDO:0008679, OMIM 194070.
Inborn genetic diseases. Identifiers: MedGen C0950123, MeSH D030342.

Submissions (2):

All of Us Research Program, National Institutes of Health
Classification: Uncertain significance for Wilms tumor 1. Last evaluated: 2023-12-01. Review status: criteria provided, single submitter. Criteria: ACMG Guidelines, 2015. Collection method: clinical testing. Allele origin: germline. Inheritance: Autosomal dominant inheritance. Observed: 1 variant allele, 1 heterozygote.
Comment: This study involves interpretation of variants in research participants for the purpose of population health screening. Participant phenotype was not available at the time of variant classification. Additional details can be found in publication PMID: 35346344, PMCID: PMC8962531

Ambry Genetics
Classification: Uncertain significance for Inborn genetic diseases. Last evaluated: 2021-06-18. Review status: criteria provided, single submitter. Criteria: Ambry General Variant Classification Scheme_2022. Collection method: clinical testing. Allele origin: germline. Observed: 1 variant allele.